The following is an entry in ClinVar:

ClinVar aggregate classification (germline): Likely pathogenic. Review status: criteria provided, single submitter (1 of 4 stars). 2 submissions from 2 submitters: Likely pathogenic (1). 1 of the submissions does not count toward it. Last evaluated 2022-04-07.

Conditions:
Usher syndrome. Also called: Usher's syndrome; Usher Syndromes. Identifiers: Orphanet 886, MedGen CN469326, MeSH D052245, MONDO:0019501. Disease mechanism: loss of function.
Usher syndrome type 2A. Also called: RETINAL DISEASE IN USHER SYNDROME TYPE IIA, MODIFIER OF; USHER SYNDROME, TYPE IIA. Identifiers: Orphanet 231178, Orphanet 886, MedGen C1848634, MONDO:0010169, OMIM 276901.

Submissions (2):

Women's Health and Genetics/Laboratory Corporation of America, LabCorp
Classification: Likely pathogenic for Usher syndrome. Last evaluated: 2022-04-07. Review status: criteria provided, single submitter. Criteria: LabCorp Variant Classification Summary - May 2015. Collection method: clinical testing. Allele origin: germline.
Comment: Variant summary: USH2A c.14969-2A>G is located in a canonical splice-site and is predicted to affect mRNA splicing resulting in a significantly altered protein due to either exon skipping, shortening, or inclusion of intronic material. Several computational tools predict a significant impact on normal splicing: Four predict the variant abolishes a 3' acceptor site. However, these predictions have yet to be confirmed by functional studies. The variant was absent in 251318 control chromosomes (gnomAD). c.14969-2A>G has been reported in the literature in at least one compound heterozygous individual affected with severe hearing loss (Guan_2021). To our knowledge, no experimental evidence demonstrating an impact on protein function has been reported. One ClinVar submitter has assessed the variant since 2014: the variant was classified as likely pathogenic. Based on the evidence outlined above, the variant was classified as likely pathogenic.

WangQJ Lab, Chinese People's Liberation Army General Hospital
Classification: Likely pathogenic for Usher syndrome type 2A. Last evaluated: 2021-07-01. Review status: no assertion criteria provided. Collection method: clinical testing. Allele origin: maternal. Not counted in ClinVar's aggregate classification.

Literature cited by the submitters: PubMed 34416374 (cited by Women's Health and Genetics/Laboratory Corporation of America, LabCorp).

NM_206933.4(USH2A):c.14969-2A>G

Gene: USH2A (usherin; minus strand). Cytogenetic location: 1q41.
Variant type: single nucleotide variant.
Coding change: c.14969-2A>G on transcript NM_206933.4 (MANE Select); the canonical splice acceptor site of the intron before coding-DNA position 14969, A replaced by G.
Molecular consequence: splice acceptor variant.
Genome position (GRCh38, 1-based): chr1:215,639,240, T>C on the plus strand (A>G on the coding strand, the complement: USH2A is on the minus strand). VCF-style: chr1-215639240-T-C. GRCh37 (hg19) VCF-style: chr1-215812582-T-C.
Identifiers: ClinVar variation 1185074 (VCV001185074.2), dbSNP rs2102634730, ClinGen allele CA344826852.